The following is an entry in ClinVar:

ClinVar aggregate classification (germline): Conflicting classifications of pathogenicity. Review status: criteria provided, conflicting classifications (1 of 4 stars). 3 submissions from 3 submitters: Uncertain significance (2); Likely benign (1). Last evaluated 2023-03-23.

Conditions:
Breast-ovarian cancer, familial, susceptibility to, 1 (BROVCA1). Also called: OVARIAN CANCER, SUSCEPTIBILITY TO; BRCA1 Hereditary Breast and Ovarian Cancer. Identifiers: Orphanet 145, MedGen C2676676, MONDO:0011450, OMIM 604370. Disease mechanism: loss of function.
Pancreatic cancer, susceptibility to, 4. Identifiers: Orphanet 1333, MedGen C3280442, MONDO:0013685, OMIM 614320.
Fanconi anemia, complementation group S (FANCS). Identifiers: MedGen C4554406, MONDO:0054748, OMIM 617883.
Hereditary breast ovarian cancer syndrome. Also called: Breast and ovarian cancer; Hereditary breast and ovarian cancer; Hereditary breast and ovarian cancer syndrome; Hereditary breast and ovarian cancer syndrome (HBOC); Hereditary breast and/or ovarian cancer syndrome; BRCA1- and BRCA2-Associated Hereditary Breast and Ovarian Cancer. Identifiers: Orphanet 145, MedGen C0677776, MeSH D061325, MONDO:0003582. Disease mechanism: loss of function.
Hereditary cancer-predisposing syndrome. Also called: Hereditary Cancer Syndrome; Tumor predisposition; Neoplastic Syndromes, Hereditary; Hereditary neoplastic syndrome. Identifiers: Orphanet 140162, MedGen C0027672, MeSH D009386, MONDO:0015356.

Submissions (3):

University of Washington Department of Laboratory Medicine, University of Washington
Classification: Likely benign for Hereditary cancer-predisposing syndrome. Last evaluated: 2023-03-23. Review status: criteria provided, single submitter. Criteria: Dines et al. (Genet Med. 2020). Collection method: curation. Allele origin: germline.
Comment: Missense variant in a coldspot region where missense variants are very unlikely to be pathogenic (PMID:31911673).

BRCA1 coldspot (exon 11 using historical exon numbering). Reclassification based on statistical prior probability

Labcorp Genetics (formerly Invitae), Labcorp
Classification: Uncertain significance for Hereditary breast ovarian cancer syndrome. Last evaluated: 2022-02-19. Review status: criteria provided, single submitter. Criteria: Invitae Variant Classification Sherloc (09022015). Collection method: clinical testing. Allele origin: germline.
Comment: In summary, the available evidence is currently insufficient to determine the role of this variant in disease. Therefore, it has been classified as a Variant of Uncertain Significance. Advanced modeling of protein sequence and biophysical properties (such as structural, functional, and spatial information, amino acid conservation, physicochemical variation, residue mobility, and thermodynamic stability) performed at Invitae indicates that this missense variant is not expected to disrupt BRCA1 protein function. This variant has not been reported in the literature in individuals affected with BRCA1-related conditions. This variant is not present in population databases (gnomAD no frequency). This sequence change replaces serine, which is neutral and polar, with threonine, which is neutral and polar, at codon 694 of the BRCA1 protein (p.Ser694Thr).

Juno Genomics, Hangzhou Juno Genomics, Inc
Classification: Uncertain significance for Breast-ovarian cancer, familial, susceptibility to, 1; Pancreatic cancer, susceptibility to, 4; Fanconi anemia, complementation group S. Review status: criteria provided, single submitter. Criteria: ACMG Guidelines, 2015. Collection method: clinical testing. Allele origin: germline.
Comment: Absent from controls (or at extremely low frequency if recessive) in Genome Aggregation Database.

NM_007294.4(BRCA1):c.2081G>C (p.Ser694Thr)

Gene: BRCA1 (BRCA1 DNA repair associated; minus strand). Cytogenetic location: 17q21.31.
Variant type: single nucleotide variant.
Coding change: c.2081G>C on transcript NM_007294.4 (MANE Select); coding-DNA position 2081, G replaced by C.
Protein change: p.Ser694Thr; replaces serine 694 with threonine.
Molecular consequence: missense variant. On other transcripts: intron variant (137).
Genome position (GRCh38, 1-based): chr17:43,093,450, C>G on the plus strand (G>C on the coding strand, the complement: BRCA1 is on the minus strand). VCF-style: chr17-43093450-C-G. GRCh37 (hg19) VCF-style: chr17-41245467-C-G.
Other names: c.1868G>C, p.Ser623Thr (NM_001407571.1, NM_001407853.1, NM_001407895.1 and 9 more transcripts); c.2081G>C, p.Ser694Thr (NM_001407597.1, NM_001407598.1, NM_001407602.1 and 30 more transcripts); c.2078G>C, p.Ser693Thr (NM_001407610.1, NM_001407611.1, NM_001407612.1 and 22 more transcripts); c.2072G>C, p.Ser691Thr (NM_001407646.1, NM_001407647.1); c.1958G>C, p.Ser653Thr (NM_001407648.1, NM_001407665.1, NM_001407666.1 and 19 more transcripts); c.1955G>C, p.Ser652Thr (NM_001407649.1, NM_001407670.1, NM_001407671.1 and 11 more transcripts); c.2003G>C, p.Ser668Thr (NM_001407653.1, NM_001407654.1, NM_001407655.1 and 4 more transcripts); c.1940G>C, p.Ser647Thr (NM_001407692.1, NM_001407729.1, NM_001407730.1 and 29 more transcripts); and 40 more; short protein forms S526T, S582T, S583T, S605T, S624T, S667T, S668T, S606T.
Identifiers: ClinVar variation 2099300 (VCV002099300.8), dbSNP rs431825388, ClinGen allele CA10597840.